The following is an entry in ClinVar:

NM_001206998.2(ZNRF3):c.958G>A (p.Val320Met)

Gene: ZNRF3 (zinc and ring finger 3; plus strand). Cytogenetic location: 22q12.1.
Variant type: single nucleotide variant.
Coding change: c.958G>A on transcript NM_001206998.2 (MANE Select); coding-DNA position 958, G replaced by A.
Protein change: p.Val320Met; replaces valine 320 with methionine.
Molecular consequence: missense variant.
Genome position (GRCh38, 1-based): chr22:29,048,434, G>A. VCF-style: chr22-29048434-G-A. GRCh37 (hg19) VCF-style: chr22-29444422-G-A.
Other names: c.658G>A, p.Val220Met (NM_032173.4); short protein forms V220M, V320M.
Identifiers: ClinVar variation 3375830 (VCV003375830.1).

ClinVar aggregate classification (germline): Uncertain significance (1 of 4 stars; one submission).

Submission:

GeneDx
Classification: Uncertain significance. Last evaluated: 2024-04-08. Review status: criteria provided, single submitter. Criteria: GeneDx Variant Classification Process June 2021. Collection method: clinical testing. Allele origin: germline. Affected: yes.
Comment: Not observed at significant frequency in large population cohorts (gnomAD); In silico analysis supports that this missense variant has a deleterious effect on protein structure/function; Has not been previously reported as a pathogenic or benign germline variant to our knowledge; Variants in candidate genes are classified as variants of uncertain significance in accordance with ACMG guidelines (PMID: 25741868); This variant is associated with the following publications: (PMID: Li2024[Preprint])